The following is an entry in ClinVar:

NM_000551.4(VHL):c.564G>A (p.Leu188=)

Genes: VHL (von Hippel-Lindau tumor suppressor; plus strand), LOC107303340 (3p25 von Hippel-Lindau tumor suppressor, E3 ubiquitin protein ligase Alu-mediated recombination region; plus strand). Cytogenetic location: 3p25.3.
Variant type: single nucleotide variant.
Coding change: c.564G>A on transcript NM_000551.4 (MANE Select); coding-DNA position 564, G replaced by A.
Protein change: p.Leu188=; no amino-acid change (leucine 188 retained).
Molecular consequence: synonymous variant. On other transcripts: 3 prime UTR variant (1), non-coding transcript variant (1).
Genome position (GRCh38, 1-based): chr3:10,149,887, G>A. VCF-style: chr3-10149887-G-A. GRCh37 (hg19) VCF-style: chr3-10191571-G-A.
Other names: c.*118G>A (NM_001354723.2); c.441G>A, p.Leu147= (NM_198156.3).
Identifiers: ClinVar variation 4071127 (VCV004071127.1).

ClinVar aggregate classification (germline): Benign (1 of 4 stars; one submission).

Conditions:
Von Hippel-Lindau syndrome (VHLS). Also called: Von Hippel-Lindau; von Hippel–Lindau syndrome; VHL syndrome. Identifiers: Orphanet 892, MedGen C0019562, MONDO:0008667, OMIM 193300. Disease mechanism: loss of function.

Submission:

Myriad Genetics, Inc.
Classification: Benign for Von Hippel-Lindau syndrome. Last evaluated: 2025-06-13. Review status: criteria provided, single submitter. Criteria: Myriad Autosomal Dominant, Autosomal Recessive and X-Linked Classification Criteria (2023). Collection method: clinical testing. Allele origin: unknown.
Comment: This variant is considered benign. This variant is a silent/synonymous amino acid change and it is not expected to impact splicing.